The following is an entry in ClinVar:

ClinVar aggregate classification (germline): Likely benign (1 of 4 stars; one submission).

Allele frequency attached by ClinVar (database versions not stated): 1000 Genomes Project 0.00120; gnomAD 0.00160; TOPMed 0.00185; gnomAD exomes 0.00187.
gnomAD v4.1: 706 of 398,554 alleles (0.18%); highest among the groups gnomAD compares: Admixed American, 0.39%; no homozygotes.

Submission:

CeGaT Center for Human Genetics Tuebingen
Classification: Likely benign. Last evaluated: 2026-05-01. Review status: criteria provided, single submitter. Criteria: CeGaT Center For Human Genetics Tuebingen Variant Classification Criteria Version 2. Collection method: clinical testing. Allele origin: germline. Affected: yes. Observed: 21 variant alleles.
Comment: KCNQ1OT1: BS1

NM_000218.3(KCNQ1):c.1514+30767T>C

Genes: KCNQ1 (potassium voltage-gated channel subfamily Q member 1; plus strand), KCNQ1OT1 (KCNQ1 opposite strand/antisense transcript 1; minus strand). Cytogenetic location: 11p15.5.
Variant type: single nucleotide variant.
Coding change: c.1514+30767T>C on transcript NM_000218.3 (MANE Select); 30767 bases into the intron after coding-DNA position 1514, T replaced by C.
Molecular consequence: intron variant. On other transcripts: non-coding transcript variant (1).
Genome position (GRCh38, 1-based): chr11:2,692,848, T>C. VCF-style: chr11-2692848-T-C. GRCh37 (hg19) VCF-style: chr11-2714078-T-C.
Other names: c.1244+30767T>C (NM_001406837.1); c.1418+30767T>C (NM_001406836.1); c.974+30767T>C (NM_001406838.1); c.1133+30767T>C (NM_181798.2).
Identifiers: ClinVar variation 2641490 (VCV002641490.24), dbSNP rs147775239, ClinGen allele CA216193851.